The following is an entry in ClinVar:

NM_001366145.2(TRPM3):c.2353C>T (p.Leu785Phe)

Gene: TRPM3 (transient receptor potential cation channel subfamily M member 3; minus strand). Cytogenetic location: 9q21.12.
Variant type: single nucleotide variant.
Coding change: c.2353C>T on transcript NM_001366145.2 (MANE Select); coding-DNA position 2353, C replaced by T.
Protein change: p.Leu785Phe; replaces leucine 785 with phenylalanine.
Molecular consequence: missense variant.
Genome position (GRCh38, 1-based): chr9:70,618,872, G>A on the plus strand (C>T on the coding strand, the complement: TRPM3 is on the minus strand). VCF-style: chr9-70618872-G-A. GRCh37 (hg19) VCF-style: chr9-73233788-G-A.
Other names: c.2317C>T, p.Leu773Phe (NM_001007471.4, NM_001366151.2); c.2323C>T, p.Leu775Phe (NM_001366141.2, NM_001366143.2, NM_001366149.2); c.2359C>T, p.Leu787Phe (NM_001366142.2); c.2353C>T, p.Leu785Phe (NM_001366146.2); c.2428C>T, p.Leu810Phe (NM_001366147.2, NM_001366152.2); c.2398C>T, p.Leu800Phe (NM_001366148.2); c.2287C>T, p.Leu763Phe (NM_001366150.2); c.1894C>T, p.Leu632Phe (NM_001366154.2, NM_024971.7); and 5 more; short protein forms L610F, L620F, L622F, L632F, L635F, L645F, L763F, L773F.
Identifiers: ClinVar variation 3372091 (VCV003372091.1).

ClinVar aggregate classification (germline): Uncertain significance (1 of 4 stars; one submission).

Submission:

GeneDx
Classification: Uncertain significance. Last evaluated: 2024-04-06. Review status: criteria provided, single submitter. Criteria: GeneDx Variant Classification Process June 2021. Collection method: clinical testing. Allele origin: germline. Affected: yes.
Comment: Not observed at significant frequency in large population cohorts (gnomAD); In silico analysis indicates that this missense variant does not alter protein structure/function; Has not been previously published as pathogenic or benign to our knowledge